The following is an entry in ClinVar:

ClinVar aggregate classification (germline): Uncertain significance (1 of 4 stars; one submission).

gnomAD v4.1: 50 of 1,608,794 alleles (0.0031%); highest among the groups gnomAD compares: Non-Finnish European, 0.004%; no homozygotes.

Submission:

Labcorp Genetics (formerly Invitae), Labcorp
Classification: Uncertain significance. Last evaluated: 2021-12-03. Review status: criteria provided, single submitter. Criteria: Invitae Variant Classification Sherloc (09022015). Collection method: clinical testing. Allele origin: germline.
Comment: This sequence change replaces alanine, which is neutral and non-polar, with threonine, which is neutral and polar, at codon 1142 of the MYO18B protein (p.Ala1142Thr). This variant is present in population databases (rs756405222, gnomAD 0.004%). This variant has not been reported in the literature in individuals affected with MYO18B-related conditions. Algorithms developed to predict the effect of missense changes on protein structure and function are either unavailable or do not agree on the potential impact of this missense change (SIFT: "Not Available"; PolyPhen-2: "Benign"; Align-GVGD: "Not Available"). In summary, the available evidence is currently insufficient to determine the role of this variant in disease. Therefore, it has been classified as a Variant of Uncertain Significance.

NM_032608.7(MYO18B):c.3424G>A (p.Ala1142Thr)

Gene: MYO18B (myosin XVIIIB; plus strand). Cytogenetic location: 22q12.1.
Variant type: single nucleotide variant.
Coding change: c.3424G>A on transcript NM_032608.7 (MANE Select); coding-DNA position 3424, G replaced by A.
Protein change: p.Ala1142Thr; replaces alanine 1142 with threonine.
Molecular consequence: missense variant.
Genome position (GRCh38, 1-based): chr22:25,846,155, G>A. VCF-style: chr22-25846155-G-A. GRCh37 (hg19) VCF-style: chr22-26242122-G-A.
Other names: c.3427G>A, p.Ala1143Thr (NM_001318245.2); short protein forms A1142T, A1143T.
Identifiers: ClinVar variation 1419764 (VCV001419764.3), dbSNP rs756405222, ClinGen allele CA10160561.